The following is an entry in ClinVar:

ClinVar aggregate classification (germline): Likely benign. Review status: criteria provided, multiple submitters, no conflicts (2 of 4 stars). 2 submissions from 2 submitters: Likely benign (2). Last evaluated 2018-01-12.

Conditions:
FLNB-Related Spectrum Disorders.

Allele frequency attached by ClinVar (database versions not stated): 1000 Genomes Project 30x 0.00078; 1000 Genomes Project 0.00080; gnomAD 0.00104 and 0.00107; TOPMed 0.00153.
gnomAD v4.1: 1,293 of 1,429,856 alleles (0.09%); highest among the groups gnomAD compares: Middle Eastern, 1.4%; 2 homozygotes.

Submissions (2):

Illumina Laboratory Services, Illumina
Classification: Likely benign for FLNB-Related Spectrum Disorders. Last evaluated: 2018-01-12. Review status: criteria provided, single submitter. Criteria: ICSL Variant Classification Criteria 13 December 2019. Collection method: clinical testing. Allele origin: germline.
Comment: This variant was observed in the ICSL laboratory as part of a predisposition screen in an ostensibly healthy population. It had not been previously curated by ICSL or reported in the Human Gene Mutation Database (HGMD: prior to June 1st, 2018), and was therefore a candidate for classification through an automated scoring system. Utilizing variant allele frequency, disease prevalence and penetrance estimates, and inheritance mode, an automated score was calculated to assess if this variant is too frequent to cause the disease. Based on the score and internal cut-off values, a variant classified as likely benign is not then subjected to further curation. The score for this variant resulted in a classification of likely benign for this disease.

Breakthrough Genomics
Classification: Likely benign. Review status: criteria provided, single submitter. Criteria: ACMG Guidelines, 2015. Collection method: not provided. Allele origin: germline. Inheritance: Autosomal recessive inheritance. Affected: yes.

NM_001457.4(FLNB):c.-97C>T

Gene: FLNB (filamin B; plus strand). Cytogenetic location: 3p14.3.
Variant type: single nucleotide variant.
Coding change: c.-97C>T on transcript NM_001457.4 (MANE Select); 97 bases upstream of the start codon, C replaced by T.
Molecular consequence: 5 prime UTR variant.
Genome position (GRCh38, 1-based): chr3:58,008,468, C>T. VCF-style: chr3-58008468-C-T. GRCh37 (hg19) VCF-style: chr3-57994195-C-T.
Other names: c.-97C>T (NM_001164317.2, NM_001164318.2, NM_001164319.2).
Identifiers: ClinVar variation 902963 (VCV000902963.5), dbSNP rs150348065, ClinGen allele CA75563655.